The following is an entry in ClinVar:

NM_000540.3(RYR1):c.601A>G (p.Met201Val)

Gene: RYR1 (ryanodine receptor 1; plus strand). Cytogenetic location: 19q13.2.
Variant type: single nucleotide variant.
Coding change: c.601A>G on transcript NM_000540.3 (MANE Select); coding-DNA position 601, A replaced by G.
Protein change: p.Met201Val; replaces methionine 201 with valine.
Molecular consequence: missense variant.
Genome position (GRCh38, 1-based): chr19:38,444,647, A>G. VCF-style: chr19-38444647-A-G. GRCh37 (hg19) VCF-style: chr19-38935287-A-G.
Other names: c.601A>G, p.Met201Val (NM_001042723.2); short protein forms M201V.
Identifiers: ClinVar variation 1406913 (VCV001406913.6), dbSNP rs1972851843, ClinGen allele CA405678451.

ClinVar aggregate classification (germline): Uncertain significance. Review status: criteria provided, multiple submitters, no conflicts (2 of 4 stars). 2 submissions from 2 submitters: Uncertain significance (2). Last evaluated 2023-05-31.

Conditions:
RYR1-related disorder. Also called: RYR1-related condition; RYR1-related disorders. Identifiers: MedGen CN239331.

Allele frequency attached by ClinVar (database versions not stated): TOPMed below 0.00001.

Submissions (2):

Revvity Omics, Revvity
Classification: Uncertain significance. Last evaluated: 2023-05-31. Review status: criteria provided, single submitter. Criteria: ACMG Guidelines, 2015. Collection method: clinical testing. Allele origin: germline.

Labcorp Genetics (formerly Invitae), Labcorp
Classification: Uncertain significance for RYR1-related disorder. Last evaluated: 2022-09-20. Review status: criteria provided, single submitter. Criteria: Invitae Variant Classification Sherloc (09022015). Collection method: clinical testing. Allele origin: germline.
Comment: This sequence change replaces methionine, which is neutral and non-polar, with valine, which is neutral and non-polar, at codon 201 of the RYR1 protein (p.Met201Val). This variant is not present in population databases (gnomAD no frequency). This variant has not been reported in the literature in individuals affected with RYR1-related conditions. ClinVar contains an entry for this variant (Variation ID: 1406913). Advanced modeling of protein sequence and biophysical properties (such as structural, functional, and spatial information, amino acid conservation, physicochemical variation, residue mobility, and thermodynamic stability) performed at Invitae indicates that this missense variant is not expected to disrupt RYR1 protein function. In summary, the available evidence is currently insufficient to determine the role of this variant in disease. Therefore, it has been classified as a Variant of Uncertain Significance.